The following is an entry in ClinVar:

ClinVar aggregate classification (germline): Uncertain significance (1 of 4 stars; one submission).

Conditions:
Hereditary cancer-predisposing syndrome. Also called: Hereditary neoplastic syndrome; Tumor predisposition; Hereditary Cancer Syndrome; Neoplastic Syndromes, Hereditary. Identifiers: Orphanet 140162, MedGen C0027672, MeSH D009386, MONDO:0015356.

Submission:

Ambry Genetics
Classification: Uncertain significance for Hereditary cancer-predisposing syndrome. Last evaluated: 2023-07-05. Review status: criteria provided, single submitter. Criteria: Ambry Variant Classification Scheme 2023. Collection method: clinical testing. Allele origin: germline.
Comment: The p.Q1447E variant (also known as c.4339C>G), located in coding exon 22 of the DICER1 gene, results from a C to G substitution at nucleotide position 4339. The glutamine at codon 1447 is replaced by glutamic acid, an amino acid with highly similar properties. This amino acid position is conserved. In addition, the in silico prediction for this alteration is inconclusive. Since supporting evidence is limited at this time, the clinical significance of this alteration remains unclear.

NM_177438.3(DICER1):c.4339C>G (p.Gln1447Glu)

Gene: DICER1 (dicer 1, ribonuclease III; minus strand). Cytogenetic location: 14q32.13.
Variant type: single nucleotide variant.
Coding change: c.4339C>G on transcript NM_177438.3 (MANE Select); coding-DNA position 4339, C replaced by G.
Protein change: p.Gln1447Glu; replaces glutamine 1447 with glutamic acid.
Molecular consequence: missense variant. On other transcripts: non-coding transcript variant (6).
Genome position (GRCh38, 1-based): chr14:95,096,581, G>C on the plus strand (C>G on the coding strand, the complement: DICER1 is on the minus strand). VCF-style: chr14-95096581-G-C. GRCh37 (hg19) VCF-style: chr14-95562918-G-C.
Other names: c.4339C>G, p.Gln1447Glu (NM_001195573.1, NM_001271282.3, NM_001291628.2 and 13 more transcripts); c.4057C>G, p.Gln1353Glu (NM_001395686.1); c.3934C>G, p.Gln1312Glu (NM_001395687.1, NM_001395688.1, NM_001395689.1 and 2 more transcripts); c.3772C>G, p.Gln1258Glu (NM_001395691.1); c.2656C>G, p.Gln886Glu (NM_001395697.1); short protein forms Q1258E, Q1312E, Q1353E, Q1447E, Q886E.
Identifiers: ClinVar variation 2586403 (VCV002586403.2), dbSNP rs2542508752, ClinGen allele CA390869262.